The following is an entry in ClinVar:

NM_022369.4(STRA6):c.1957G>A (p.Val653Ile)

Gene: STRA6 (signaling receptor and transporter of retinol STRA6; minus strand). Cytogenetic location: 15q24.1.
Variant type: single nucleotide variant.
Coding change: c.1957G>A on transcript NM_022369.4 (MANE Select); coding-DNA position 1957, G replaced by A.
Protein change: p.Val653Ile; replaces valine 653 with isoleucine.
Molecular consequence: missense variant.
Genome position (GRCh38, 1-based): chr15:74,180,127, C>T on the plus strand (G>A on the coding strand, the complement: STRA6 is on the minus strand). VCF-style: chr15-74180127-C-T. GRCh37 (hg19) VCF-style: chr15-74472468-C-T.
Other names: c.1957G>A, p.Val653Ile (NM_001142617.2, NM_001142618.2); c.1930G>A, p.Val644Ile (NM_001142619.2); c.2068G>A, p.Val690Ile (NM_001199040.2); c.2002G>A, p.Val668Ile (NM_001199041.2); c.2074G>A, p.Val692Ile (NM_001199042.2); short protein forms V653I, V668I, V690I, V692I, V644I.
Identifiers: ClinVar variation 317095 (VCV000317095.11), dbSNP rs150687411, ClinGen allele CA7654380.
Genomic context (GRCh38, chr15:74,180,127, plus strand): 5'-ACCTTCCCTGCCCTCAGGGCTGGGCACCATTGGCACCCAACAGGGCCGTCTTGCGGAAGA[C>T]CTGCAGGGTTGGGTTGTGCAGCAGCGTGTAGGCCAGACCCCAGCGAGCCCTGCCGCGGCT-3'
Protein context (NP_071764.3, residues 643-663): YTLLHNPTLQ[Val653Ile]FRKTALLGAN

ClinVar aggregate classification (germline): Uncertain significance. Review status: criteria provided, multiple submitters, no conflicts (2 of 4 stars). 4 submissions from 4 submitters: Uncertain significance (4). Last evaluated 2025-08-04.

Conditions:
Inborn genetic diseases. Identifiers: MedGen C0950123, MeSH D030342.
Microphthalmia, syndromic 9. Also called: ANOPHTHALMIA, CLINICAL, WITH MILD FACIAL DYSMORPHISM AND VARIABLE MALFORMATIONS OF THE LUNG, HEART, AND DIAPHRAGM; ANOPHTHALMIA/MICROPHTHALMIA AND PULMONARY HYPOPLASIA; Matthew-Wood syndrome; PULMONARY AGENESIS, MICROPHTHALMIA, AND DIAPHRAGMATIC DEFECT; SPEAR SYNDROME. Identifiers: Orphanet 2470, MedGen C1832661, MONDO:0011010, OMIM 601186.

Allele frequency attached by ClinVar (database versions not stated): ExAC 0.00017; gnomAD exomes 0.00024; ESP Exome Variant Server 0.00038; gnomAD 0.00040 and 0.00041; TOPMed 0.00064.
gnomAD v4.1: 814 of 1,613,620 alleles (0.05%); highest among the groups gnomAD compares: Non-Finnish European, 0.061%; 1 homozygote.

Submissions (4):

Ambry Genetics
Classification: Uncertain significance for Inborn genetic diseases. Last evaluated: 2025-08-04. Review status: criteria provided, single submitter. Criteria: Ambry Variant Classification Scheme 2023. Collection method: clinical testing. Allele origin: germline.

Labcorp Genetics (formerly Invitae), Labcorp
Classification: Uncertain significance for Microphthalmia, syndromic 9. Last evaluated: 2021-08-31. Review status: criteria provided, single submitter. Criteria: Invitae Variant Classification Sherloc (09022015). Collection method: clinical testing. Allele origin: germline.
Comment: This sequence change replaces valine with isoleucine at codon 653 of the STRA6 protein (p.Val653Ile). The valine residue is weakly conserved and there is a small physicochemical difference between valine and isoleucine. This variant is present in population databases (rs150687411, ExAC 0.03%). This variant has not been reported in the literature in individuals affected with STRA6-related conditions. ClinVar contains an entry for this variant (Variation ID: 317095). Algorithms developed to predict the effect of missense changes on protein structure and function (SIFT, PolyPhen-2, Align-GVGD) all suggest that this variant is likely to be tolerated. In summary, the available evidence is currently insufficient to determine the role of this variant in disease. Therefore, it has been classified as a Variant of Uncertain Significance.

Illumina Laboratory Services, Illumina
Classification: Uncertain significance for Microphthalmia, syndromic 9. Last evaluated: 2018-01-13. Review status: criteria provided, single submitter. Criteria: ICSL Variant Classification Criteria 13 December 2019. Collection method: clinical testing. Allele origin: germline.

Breakthrough Genomics
Classification: Uncertain significance. Review status: criteria provided, single submitter. Criteria: ACMG Guidelines, 2015. Collection method: not provided. Allele origin: germline. Inheritance: Autosomal recessive inheritance. Affected: yes.